The following is an entry in ClinVar:

ClinVar aggregate classification (germline): Uncertain significance (1 of 4 stars; one submission).

Submission:

Women's Health and Genetics/Laboratory Corporation of America, LabCorp
Classification: Uncertain significance. Last evaluated: 2026-06-26. Review status: criteria provided, single submitter. Criteria: LabCorp Variant Classification Summary - May 2015. Collection method: clinical testing. Allele origin: germline.
Comment: Variant summary: ABL1 c.1679-3delC alters a conserved nucleotide located close to a canonical splice site and therefore could affect mRNA splicing, leading to a significantly altered protein sequence. Several computational tools predict a significant impact on normal splicing: Four predict the variant weakens a 3' acceptor site. However, these predictions have yet to be confirmed by functional studies. The variant was absent in 242496 control chromosomes. The available data on variant occurrences in the general population are insufficient to allow any conclusion about variant significance. To our knowledge, no occurrence of c.1679-3delC in individuals affected with ABL1-related conditions and no experimental evidence demonstrating its impact on protein function have been reported. No submitters have cited clinical-significance assessments for this variant to ClinVar. Based on the evidence outlined above, the variant was classified as uncertain significance.

NM_005157.6(ABL1):c.1679-3del

Gene: ABL1 (ABL proto-oncogene 1, non-receptor tyrosine kinase; plus strand). Cytogenetic location: 9q34.12.
Variant type: Deletion.
Coding change: c.1679-3del on transcript NM_005157.6 (MANE Select); 3 bases into the intron before coding-DNA position 1679, one base deleted (C; older notation c.1679-3delC).
Molecular consequence: intron variant.
Genome position (GRCh38, 1-based): chr9:130,883,966, C deleted. VCF-style (leftmost placement, unchanged base first): chr9-130883965-TC-T. GRCh37 (hg19) VCF-style: chr9-133759352-TC-T.
Other names: c.1679-3delC (NM_005157.6); c.1736-3del (NM_007313.3).
Identifiers: ClinVar variation 4887672 (VCV004887672.1).